The following is an entry in ClinVar:

ClinVar aggregate classification (germline): Likely benign (0 of 4 stars; one submission).

Conditions:
PLCZ1-related disorder. Also called: PLCZ1-related condition.

Allele frequency attached by ClinVar (database versions not stated): gnomAD exomes 0.00001; gnomAD 0.00005; TOPMed 0.00014; 1000 Genomes Project 30x 0.00016.
gnomAD v4.1: 18 of 1,612,584 alleles (0.0011%); highest among the groups gnomAD compares: Admixed American, 0.023%; no homozygotes.

Submission:

PreventionGenetics, part of Exact Sciences
Classification: Likely benign for PLCZ1-related condition. Last evaluated: 2019-06-18. Review status: no assertion criteria provided. Collection method: clinical testing. Allele origin: germline.
Comment: This variant is classified as likely benign based on ACMG/AMP sequence variant interpretation guidelines (Richards et al. 2015 PMID: 25741868, with internal and published modifications).

NM_033123.4(PLCZ1):c.1788G>A (p.Glu596=)

Genes: PIK3C2G (phosphatidylinositol-4-phosphate 3-kinase catalytic subunit type 2 gamma; plus strand), PLCZ1 (phospholipase C zeta 1; minus strand). Cytogenetic location: 12p12.3.
Variant type: single nucleotide variant.
Coding change: c.1788G>A on transcript NM_033123.4 (MANE Select); coding-DNA position 1788, G replaced by A.
Protein change: p.Glu596=; no amino-acid change (glutamic acid 596 retained).
Molecular consequence: synonymous variant.
Genome position (GRCh38, 1-based): chr12:18,683,278, C>T on the plus strand (G>A on the coding strand, the complement: PLCZ1 is on the minus strand). VCF-style: chr12-18683278-C-T. GRCh37 (hg19) VCF-style: chr12-18836212-C-T.
Other names: c.1209G>A, p.Glu403= (NM_001330769.1); c.1476G>A, p.Glu492= (NM_001330774.2).
Identifiers: ClinVar variation 3033794 (VCV003033794.2), dbSNP rs1038218078, ClinGen allele CA233829420.